The following is an entry in ClinVar:

NM_016239.4(MYO15A):c.867C>G (p.Tyr289Ter)

Gene: MYO15A (myosin XVA; plus strand). Cytogenetic location: 17p11.2.
Variant type: single nucleotide variant.
Coding change: c.867C>G on transcript NM_016239.4 (MANE Select); coding-DNA position 867, C replaced by G.
Protein change: p.Tyr289Ter; replaces tyrosine 289 with a stop codon.
Molecular consequence: nonsense.
Genome position (GRCh38, 1-based): chr17:18,119,667, C>G. VCF-style: chr17-18119667-C-G. GRCh37 (hg19) VCF-style: chr17-18022981-C-G.
Other names: short protein forms Y289*.
Identifiers: ClinVar variation 2736465 (VCV002736465.3), dbSNP rs2545177036, ClinGen allele CA398576236.

ClinVar aggregate classification (germline): Pathogenic (1 of 4 stars; one submission).

gnomAD v4.1: 1 of 1,606,126 alleles (0.000062%); no homozygotes.

Submission:

Labcorp Genetics (formerly Invitae), Labcorp
Classification: Pathogenic. Last evaluated: 2023-10-17. Review status: criteria provided, single submitter. Criteria: Invitae Variant Classification Sherloc (09022015). Collection method: clinical testing. Allele origin: germline.
Comment: This sequence change creates a premature translational stop signal (p.Tyr289*) in the MYO15A gene. It is expected to result in an absent or disrupted protein product. Loss-of-function variants in MYO15A are known to be pathogenic (PMID: 17546645). This variant is not present in population databases (gnomAD no frequency). This premature translational stop signal has been observed in individual(s) with deafness (PMID: 20642360). For these reasons, this variant has been classified as Pathogenic.

Literature cited by the submitters: PubMed 17546645; PubMed 20642360.